The following is an entry in ClinVar:

NM_000048.4(ASL):c.834-1G>A

Gene: ASL (argininosuccinate lyase; plus strand). Cytogenetic location: 7q11.21.
Variant type: single nucleotide variant.
Coding change: c.834-1G>A on transcript NM_000048.4 (MANE Select); the canonical splice acceptor site of the intron before coding-DNA position 834, G replaced by A.
Molecular consequence: splice acceptor variant.
Genome position (GRCh38, 1-based): chr7:66,089,090, G>A. VCF-style: chr7-66089090-G-A. GRCh37 (hg19) VCF-style: chr7-65554077-G-A.
Other names: c.834-1G>A (NM_001024943.2, NM_001024944.2, NM_000048.3); c.756-1G>A (NM_001024946.2).
Identifiers: ClinVar variation 2678793 (VCV002678793.6), dbSNP rs768722904, ClinGen allele CA367645384.

ClinVar aggregate classification (germline): Pathogenic/Likely pathogenic. Review status: criteria provided, multiple submitters, no conflicts (2 of 4 stars). 3 submissions from 3 submitters: Pathogenic (2); Likely pathogenic (1). Last evaluated 2024-08-12.

Conditions:
Argininosuccinate lyase deficiency. Also called: Argininosuccinic aciduria; ARGININOSUCCINIC ACID LYASE DEFICIENCY; ASL DEFICIENCY. Identifiers: Orphanet 23, MedGen C0268547, MONDO:0008815, OMIM 207900, HP:0025630.

Submissions (3):

Natera, Inc.
Classification: Pathogenic for Argininosuccinate lyase deficiency. Last evaluated: 2024-08-12. Review status: criteria provided, single submitter. Criteria: Natera Variant Classification Schema (03/2026). Collection method: clinical testing. Allele origin: germline.
Comment: The c.834-1G>A variant in ASL is a canonical splice acceptor site variant predicted to affect pre-mRNA splicing, which may result in an abnormal transcript and altered protein product. This variant is expected to result in nonsense mediated decay, truncation, or a dysfunctional protein product. This variant is rare in the general population with a frequency below the threshold expected for the associated phenotype(s). This variant has been observed in one or more individuals affected with the associated recessive disease, as either homozygous or compound heterozygous with a second variant (PMID: 24166829). Given the available evidence, this variant is classified as Pathogenic.

Baylor Genetics
Classification: Pathogenic for Argininosuccinate lyase deficiency. Last evaluated: 2024-02-16. Review status: criteria provided, single submitter. Criteria: ACMG Guidelines, 2015. Collection method: clinical testing. Allele origin: unknown.

Labcorp Genetics (formerly Invitae), Labcorp
Classification: Likely pathogenic for Argininosuccinate lyase deficiency. Last evaluated: 2023-09-14. Review status: criteria provided, single submitter. Criteria: Invitae Variant Classification Sherloc (09022015). Collection method: clinical testing. Allele origin: germline.
Comment: Algorithms developed to predict the effect of sequence changes on RNA splicing suggest that this variant may disrupt the consensus splice site. Disruption of this splice site has been observed in individual(s) with argininosuccinate lyase deficiency (PMID: 24166829). This variant is not present in population databases (gnomAD no frequency). This sequence change affects an acceptor splice site in intron 11 of the ASL gene. It is expected to disrupt RNA splicing. Variants that disrupt the donor or acceptor splice site typically lead to a loss of protein function (PMID: 16199547), and loss-of-function variants in ASL are known to be pathogenic (PMID: 2263616, 24166829). In summary, the currently available evidence indicates that the variant is pathogenic, but additional data are needed to prove that conclusively. Therefore, this variant has been classified as Likely Pathogenic.

Literature cited by the submitters: PubMed 24166829 (cited by Natera, Inc. and Labcorp Genetics (formerly Invitae), Labcorp); PubMed 16199547 (cited by Labcorp Genetics (formerly Invitae), Labcorp); PubMed 2263616 (cited by Labcorp Genetics (formerly Invitae), Labcorp).